The following is an entry in ClinVar:

ClinVar aggregate classification (germline): Uncertain significance (1 of 4 stars; one submission).

Submission:

Ambry Genetics
Classification: Uncertain significance. Last evaluated: 2026-05-14. Review status: criteria provided, single submitter. Criteria: Ambry Variant Classification Scheme 2023. Collection method: clinical testing. Allele origin: germline.
Comment: The p.S179P variant (also known as c.535T>C), located in coding exon 1 of the MLH3 gene, results from a T to C substitution at nucleotide position 535. The serine at codon 179 is replaced by proline, an amino acid with similar properties. This amino acid position is conserved. In addition, this alteration is predicted to be deleterious by in silico analysis. Based on the available evidence, the clinical significance of this variant remains unclear.

NM_001040108.2(MLH3):c.535T>C (p.Ser179Pro)

Gene: MLH3 (mutL homolog 3; minus strand). Cytogenetic location: 14q24.3.
Variant type: single nucleotide variant.
Coding change: c.535T>C on transcript NM_001040108.2 (MANE Select); coding-DNA position 535, T replaced by C.
Protein change: p.Ser179Pro; replaces serine 179 with proline.
Molecular consequence: missense variant.
Genome position (GRCh38, 1-based): chr14:75,049,121, A>G on the plus strand (T>C on the coding strand, the complement: MLH3 is on the minus strand). VCF-style: chr14-75049121-A-G. GRCh37 (hg19) VCF-style: chr14-75515824-A-G.
Other names: c.535T>C, p.Ser179Pro (NM_014381.3); short protein forms S179P.
Identifiers: ClinVar variation 4860205 (VCV004860205.1).
Genomic context (GRCh38, chr14:75,049,121, plus strand): 5'-GAACCATGGAACCAGAAACATCATTTCTCAAAGAGAAAGAAATGGAAGGGTGCATGAGTG[A>G]GAGAGCTTCTATTCTCTGCCTAACCTTCTCAAACTCCAGTCTAGGGTCCATGCATTTCCT-3'
Protein context (NP_001035197.1, residues 169-189): EKVRQRIEAL[Ser179Pro]LMHPSISFSL